The following is an entry in ClinVar:

NM_000038.6(APC):c.7873A>G (p.Ser2625Gly)

Gene: APC (APC regulator of Wnt signaling pathway; plus strand). Cytogenetic location: 5q22.2.
Variant type: single nucleotide variant.
Coding change: c.7873A>G on transcript NM_000038.6 (MANE Select); coding-DNA position 7873, A replaced by G.
Protein change: p.Ser2625Gly; replaces serine 2625 with glycine.
Molecular consequence: missense variant. On other transcripts: non-coding transcript variant (2).
Genome position (GRCh38, 1-based): chr5:112,843,467, A>G. VCF-style: chr5-112843467-A-G. GRCh37 (hg19) VCF-style: chr5-112179164-A-G.
Other names: c.7873A>G, p.Ser2625Gly (NM_001127510.3, NM_001354895.2, NM_001407450.1); c.7819A>G, p.Ser2607Gly (NM_001127511.3); c.7927A>G, p.Ser2643Gly (NM_001354896.2, NM_001407447.1, NM_001407448.1 and 1 more transcripts); c.7903A>G, p.Ser2635Gly (NM_001354897.2); c.7798A>G, p.Ser2600Gly (NM_001354898.2); c.7789A>G, p.Ser2597Gly (NM_001354899.2); c.7750A>G, p.Ser2584Gly (NM_001354900.2); c.7696A>G, p.Ser2566Gly (NM_001354901.2, NM_001407453.1); and 11 more; short protein forms S2241G, S2342G, S2465G, S2496G, S2499G, S2524G, S2534G, S2542G.
Identifiers: ClinVar variation 4801524 (VCV004801524.1).

ClinVar aggregate classification (germline): Uncertain significance (1 of 4 stars; one submission).

Conditions:
Familial adenomatous polyposis 1 (FAP1). Also called: FAMILIAL ADENOMATOUS POLYPOSIS 1, ATTENUATED; POLYPOSIS, ADENOMATOUS INTESTINAL. Identifiers: MedGen C2713442, MONDO:0021056, OMIM 175100. Disease mechanism: loss of function.

Submission:

Labcorp Genetics (formerly Invitae), Labcorp
Classification: Uncertain significance for Familial adenomatous polyposis 1. Last evaluated: 2025-04-02. Review status: criteria provided, single submitter. Criteria: Invitae Variant Classification Sherloc (09022015). Collection method: clinical testing. Allele origin: germline.
Comment: This sequence change replaces serine, which is neutral and polar, with glycine, which is neutral and non-polar, at codon 2625 of the APC protein (p.Ser2625Gly). This variant is not present in population databases (gnomAD no frequency). This variant has not been reported in the literature in individuals affected with APC-related conditions. Invitae Evidence Modeling of protein sequence and biophysical properties (such as structural, functional, and spatial information, amino acid conservation, physicochemical variation, residue mobility, and thermodynamic stability) indicates that this missense variant is not expected to disrupt APC protein function with a negative predictive value of 95%. In summary, the available evidence is currently insufficient to determine the role of this variant in disease. Therefore, it has been classified as a Variant of Uncertain Significance.